The following is an entry in ClinVar:

ClinVar aggregate classification (germline): Uncertain significance. Review status: criteria provided, multiple submitters, no conflicts (2 of 4 stars). 4 submissions from 4 submitters: Uncertain significance (3). 1 of the submissions does not count toward it. Last evaluated 2025-01-22.

Conditions:
Joubert syndrome 7 (JBTS7). Identifiers: Orphanet 220497, MedGen C1969053, MONDO:0012694, OMIM 611560.
COACH syndrome 3. Identifiers: MedGen C5436841, MONDO:0030862, OMIM 619113.
Meckel syndrome, type 5 (MKS5). Identifiers: Orphanet 564, MedGen C1969052, MONDO:0012695, OMIM 611561.
Joubert syndrome. Also called: Familial aplasia of the vermis; JOUBERT-BOLTSHAUSER SYNDROME. Identifiers: Orphanet 475, MedGen C5979921, MONDO:0018772.
Meckel-Gruber syndrome. Also called: DYSENCEPHALIA SPLANCHNOCYSTICA; GRUBER SYNDROME; Dysencephalia splachnocystica. Identifiers: Orphanet 564, MedGen C0265215, MONDO:0018921.
RPGRIP1L-related disorder. Also called: RPGRIP1L-related disorders; RPGRIP1L-related condition. Identifiers: MedGen CN239416.

Allele frequency attached by ClinVar (database versions not stated): ExAC 0.00003.
gnomAD v4.1: 58 of 1,613,842 alleles (0.0036%); highest among the groups gnomAD compares: Non-Finnish European, 0.0047%; no homozygotes.

Submissions (4):

Labcorp Genetics (formerly Invitae), Labcorp
Classification: Uncertain significance for Joubert syndrome; Meckel-Gruber syndrome. Last evaluated: 2025-01-22. Review status: criteria provided, single submitter. Criteria: Invitae Variant Classification Sherloc (09022015). Collection method: clinical testing. Allele origin: germline.
Comment: This sequence change replaces glutamine, which is neutral and polar, with lysine, which is basic and polar, at codon 66 of the RPGRIP1L protein (p.Gln66Lys). This variant is present in population databases (rs751444506, gnomAD 0.003%). This variant has not been reported in the literature in individuals affected with RPGRIP1L-related conditions. ClinVar contains an entry for this variant (Variation ID: 2045897). Invitae Evidence Modeling of protein sequence and biophysical properties (such as structural, functional, and spatial information, amino acid conservation, physicochemical variation, residue mobility, and thermodynamic stability) indicates that this missense variant is not expected to disrupt RPGRIP1L protein function with a negative predictive value of 80%. In summary, the available evidence is currently insufficient to determine the role of this variant in disease. Therefore, it has been classified as a Variant of Uncertain Significance.

Fulgent Genetics
Classification: Uncertain significance for Joubert syndrome 7; Meckel syndrome, type 5; COACH syndrome 3. Last evaluated: 2024-05-17. Review status: criteria provided, single submitter. Criteria: ACMG Guidelines, 2015. Collection method: clinical testing. Allele origin: germline.

Blueprint Genetics
Classification: Uncertain significance. Last evaluated: 2020-04-14. Review status: criteria provided, single submitter. Criteria: ACMG Guidelines, 2015. Collection method: clinical testing. Allele origin: germline.

PreventionGenetics, part of Exact Sciences
Classification: Uncertain significance for RPGRIP1L-related condition. Last evaluated: 2024-03-27. Review status: no assertion criteria provided. Collection method: clinical testing. Allele origin: germline. Not counted in ClinVar's aggregate classification.
Comment: The RPGRIP1L c.196C>A variant is predicted to result in the amino acid substitution p.Gln66Lys. To our knowledge, this variant has not been reported in the literature. This variant is reported in 0.0026% of alleles in individuals of European (Non-Finnish) descent in gnomAD. At this time, the clinical significance of this variant is uncertain due to the absence of conclusive functional and genetic evidence.

NM_015272.5(RPGRIP1L):c.196C>A (p.Gln66Lys)

Gene: RPGRIP1L (RPGRIP1 like; minus strand). Cytogenetic location: 16q12.2.
Variant type: single nucleotide variant.
Coding change: c.196C>A on transcript NM_015272.5 (MANE Select); coding-DNA position 196, C replaced by A.
Protein change: p.Gln66Lys; replaces glutamine 66 with lysine.
Molecular consequence: missense variant.
Genome position (GRCh38, 1-based): chr16:53,696,185, G>T on the plus strand (C>A on the coding strand, the complement: RPGRIP1L is on the minus strand). VCF-style: chr16-53696185-G-T. GRCh37 (hg19) VCF-style: chr16-53730097-G-T.
Other names: c.196C>A, p.Gln66Lys (NM_001127897.4, NM_001308334.3, NM_001328422.2 and 2 more transcripts); c.196C>A (NM_015272.4); short protein forms Q66K.
Identifiers: ClinVar variation 2045897 (VCV002045897.6), dbSNP rs751444506, ClinGen allele CA8058192.